The following is an entry in ClinVar:

ClinVar aggregate classification (germline): Uncertain significance (1 of 4 stars; one submission).

Conditions:
Cystic fibrosis (CF). Also called: MUCOVISCIDOSIS. Identifiers: Orphanet 586, MedGen C0010674, MONDO:0009061, OMIM 219700. Disease mechanism: loss of function.

Submission:

Labcorp Genetics (formerly Invitae), Labcorp
Classification: Uncertain significance for Cystic fibrosis. Last evaluated: 2024-12-14. Review status: criteria provided, single submitter. Criteria: Invitae Variant Classification Sherloc (09022015). Collection method: clinical testing. Allele origin: germline.
Comment: This sequence change replaces leucine, which is neutral and non-polar, with tryptophan, which is neutral and slightly polar, at codon 619 of the CFTR protein (p.Leu619Trp). This variant is not present in population databases (gnomAD no frequency). This missense change has been observed in individual(s) with cystic fibrosis (internal data). Invitae Evidence Modeling of protein sequence and biophysical properties (such as structural, functional, and spatial information, amino acid conservation, physicochemical variation, residue mobility, and thermodynamic stability) indicates that this missense variant is expected to disrupt CFTR protein function with a positive predictive value of 80%. In summary, the available evidence is currently insufficient to determine the role of this variant in disease. Therefore, it has been classified as a Variant of Uncertain Significance.

NM_000492.4(CFTR):c.1856T>G (p.Leu619Trp)

Gene: CFTR (CF transmembrane conductance regulator; plus strand). Cytogenetic location: 7q31.2.
Variant type: single nucleotide variant.
Coding change: c.1856T>G on transcript NM_000492.4 (MANE Select); coding-DNA position 1856, T replaced by G.
Protein change: p.Leu619Trp; replaces leucine 619 with tryptophan.
Molecular consequence: missense variant.
Genome position (GRCh38, 1-based): chr7:117,592,023, T>G. VCF-style: chr7-117592023-T-G. GRCh37 (hg19) VCF-style: chr7-117232077-T-G.
Other names: short protein forms L619W.
Identifiers: ClinVar variation 3623608 (VCV003623608.2).